The following is an entry in ClinVar:

NM_022725.4(FANCF):c.320_321insATGC (p.Arg108fs)

Gene: FANCF (FA complementation group F; minus strand). Cytogenetic location: 11p14.3.
Variant type: Insertion.
Coding change: c.320_321insATGC on transcript NM_022725.4 (MANE Select); coding-DNA positions 320 to 321, ATGC inserted.
Protein change: p.Arg108fs; shifts the reading frame from arginine 108.
Molecular consequence: frameshift variant.
Genome position: GRCh38 VCF-style: chr11-22625490-A-AGCAT. GRCh37 (hg19) VCF-style: chr11-22647036-A-AGCAT.
Other names: short protein forms R108fs.
Identifiers: ClinVar variation 3640232 (VCV003640232.2).

ClinVar aggregate classification (germline): Pathogenic (1 of 4 stars; one submission).

Conditions:
Fanconi anemia (FA). Also called: Fanconi's anemia. Identifiers: Orphanet 84, MedGen C0015625, MeSH D005199, MONDO:0019391.

Submission:

Labcorp Genetics (formerly Invitae), Labcorp
Classification: Pathogenic for Fanconi anemia. Last evaluated: 2024-02-11. Review status: criteria provided, single submitter. Criteria: Invitae Variant Classification Sherloc (09022015). Collection method: clinical testing. Allele origin: germline.
Comment: This sequence change creates a premature translational stop signal (p.Arg108Cysfs*20) in the FANCF gene. While this is not anticipated to result in nonsense mediated decay, it is expected to disrupt the last 267 amino acid(s) of the FANCF protein. This variant is not present in population databases (gnomAD no frequency). This variant has not been reported in the literature in individuals affected with FANCF-related conditions. This variant disrupts a region of the FANCF protein in which other variant(s) (p.Gly233Glufs*32) have been determined to be pathogenic (PMID: 11063725, 12649160, 27714961). This suggests that this is a clinically significant region of the protein, and that variants that disrupt it are likely to be disease-causing. For these reasons, this variant has been classified as Pathogenic.

Literature cited by the submitters: PubMed 11063725; PubMed 12649160; PubMed 27714961.